The following is an entry in ClinVar:

NM_000326.5(RLBP1):c.353T>G (p.Val118Gly)

Gene: RLBP1 (retinaldehyde binding protein 1; minus strand). Cytogenetic location: 15q26.1.
Variant type: single nucleotide variant.
Coding change: c.353T>G on transcript NM_000326.5 (MANE Select); coding-DNA position 353, T replaced by G.
Protein change: p.Val118Gly; replaces valine 118 with glycine.
Molecular consequence: missense variant.
Genome position (GRCh38, 1-based): chr15:89,215,232, A>C on the plus strand (T>G on the coding strand, the complement: RLBP1 is on the minus strand). VCF-style: chr15-89215232-A-C. GRCh37 (hg19) VCF-style: chr15-89758463-A-C.
Other names: short protein forms V118G.
Identifiers: ClinVar variation 317238 (VCV000317238.6), dbSNP rs762121817, ClinGen allele CA7722302.

ClinVar aggregate classification (germline): Uncertain significance. Review status: criteria provided, multiple submitters, no conflicts (2 of 4 stars). 4 submissions from 2 submitters: Uncertain significance (4). Last evaluated 2024-04-02.

Conditions:
Newfoundland cone-rod dystrophy. Identifiers: MedGen C1843815, MONDO:0011839, OMIM 607476.
Retinitis pigmentosa (RP). Identifiers: Orphanet 791, MedGen C0035334, MeSH D012174, MONDO:0019200, OMIM 268000. Inheritance: Autosomal dominant, autosomal recessive and X linked inheritance.
Pigmentary retinal dystrophy. Also called: Fundus albipunctatus. Identifiers: Orphanet 227796, Orphanet 52427, MedGen C0311338, MONDO:0007639, OMIM 136880, HP:0030642.

Allele frequency attached by ClinVar (database versions not stated): gnomAD 0.00001; ExAC 0.00002; gnomAD exomes 0.00002; TOPMed 0.00003.
gnomAD v4.1: 57 of 1,614,060 alleles (0.0035%); highest among the groups gnomAD compares: Non-Finnish European, 0.0046%; no homozygotes.

Submissions (4):

Labcorp Genetics (formerly Invitae), Labcorp
Classification: Uncertain significance. Last evaluated: 2024-04-02. Review status: criteria provided, single submitter. Criteria: Invitae Variant Classification Sherloc (09022015). Collection method: clinical testing. Allele origin: germline.
Comment: This sequence change replaces valine, which is neutral and non-polar, with glycine, which is neutral and non-polar, at codon 118 of the RLBP1 protein (p.Val118Gly). This variant is present in population databases (rs762121817, gnomAD 0.004%). This variant has not been reported in the literature in individuals affected with RLBP1-related conditions. ClinVar contains an entry for this variant (Variation ID: 317238). Advanced modeling of protein sequence and biophysical properties (such as structural, functional, and spatial information, amino acid conservation, physicochemical variation, residue mobility, and thermodynamic stability) performed at Invitae indicates that this missense variant is not expected to disrupt RLBP1 protein function with a negative predictive value of 80%. In summary, the available evidence is currently insufficient to determine the role of this variant in disease. Therefore, it has been classified as a Variant of Uncertain Significance.

Illumina Laboratory Services, Illumina
Classification: Uncertain significance for Newfoundland cone-rod dystrophy. Last evaluated: 2018-01-13. Review status: criteria provided, single submitter. Criteria: ICSL Variant Classification Criteria 13 December 2019. Collection method: clinical testing. Allele origin: germline.

Illumina Laboratory Services, Illumina
Classification: Uncertain significance for Pigmentary retinal dystrophy. Last evaluated: 2018-01-13. Review status: criteria provided, single submitter. Criteria: ICSL Variant Classification Criteria 13 December 2019. Collection method: clinical testing. Allele origin: germline.

Illumina Laboratory Services, Illumina
Classification: Uncertain significance for Retinitis pigmentosa. Last evaluated: 2018-01-13. Review status: criteria provided, single submitter. Criteria: ICSL Variant Classification Criteria 13 December 2019. Collection method: clinical testing. Allele origin: germline.